The following is an entry in ClinVar:

NM_002184.4(IL6ST):c.2447A>G (p.Lys816Arg)

Gene: IL6ST (interleukin 6 cytokine family signal transducer; minus strand). Cytogenetic location: 5q11.2.
Variant type: single nucleotide variant.
Coding change: c.2447A>G on transcript NM_002184.4 (MANE Select); coding-DNA position 2447, A replaced by G.
Protein change: p.Lys816Arg; replaces lysine 816 with arginine.
Molecular consequence: missense variant. On other transcripts: 3 prime UTR variant (1), non-coding transcript variant (2).
Genome position (GRCh38, 1-based): chr5:55,941,392, T>C on the plus strand (A>G on the coding strand, the complement: IL6ST is on the minus strand). VCF-style: chr5-55941392-T-C. GRCh37 (hg19) VCF-style: chr5-55237220-T-C.
Other names: c.2264A>G, p.Lys755Arg (NM_001190981.2); c.2345A>G, p.Lys782Arg (NM_001364275.2); c.2237A>G, p.Lys746Arg (NM_001364276.2); c.1580A>G, p.Lys527Arg (NM_001364277.2); c.1544A>G, p.Lys515Arg (NM_001364278.2); c.1451A>G, p.Lys484Arg (NM_001364279.2); c.*1374A>G (NM_175767.3); c.2447A>G (NM_002184.3); short protein forms K484R, K515R, K527R, K746R, K755R, K782R, K816R.
Identifiers: ClinVar variation 1184414 (VCV001184414.8), dbSNP rs765498089, ClinGen allele CA3271151.

ClinVar aggregate classification (germline): Uncertain significance. Review status: criteria provided, multiple submitters, no conflicts (2 of 4 stars). 3 submissions from 3 submitters: Uncertain significance (3). Last evaluated 2025-12-08.

Conditions:
Hyper-IgE recurrent infection syndrome 4, autosomal recessive. Also called: HYPER-IgE SYNDROME 4B, AUTOSOMAL RECESSIVE, WITH RECURRENT INFECTIONS; HYPER-IgE RECURRENT INFECTION SYNDROME 4B, AUTOSOMAL RECESSIVE. Identifiers: MedGen C5193141, MONDO:0032796, OMIM 618523.

Allele frequency attached by ClinVar (database versions not stated): ExAC 0.00001; gnomAD 0.00001 and 0.00002; gnomAD exomes 0.00001; TOPMed 0.00003.
gnomAD v4.1: 11 of 1,614,080 alleles (0.00068%); highest among the groups gnomAD compares: Admixed American, 0.018%; no homozygotes.

Submissions (3):

Labcorp Genetics (formerly Invitae), Labcorp
Classification: Uncertain significance. Last evaluated: 2025-12-08. Review status: criteria provided, single submitter. Criteria: Invitae Variant Classification Sherloc (09022015). Collection method: clinical testing. Allele origin: germline.
Comment: This sequence change replaces lysine, which is basic and polar, with arginine, which is basic and polar, at codon 816 of the IL6ST protein (p.Lys816Arg). This variant is present in population databases (rs765498089, gnomAD 0.006%). This variant has not been reported in the literature in individuals affected with IL6ST-related conditions. ClinVar contains an entry for this variant (Variation ID: 1184414). An algorithm developed to predict the effect of missense changes on protein structure and function (PolyPhen-2) suggests that this variant is likely to be tolerated. In summary, the available evidence is currently insufficient to determine the role of this variant in disease. Therefore, it has been classified as a Variant of Uncertain Significance.

Ambry Genetics
Classification: Uncertain significance. Last evaluated: 2024-11-24. Review status: criteria provided, single submitter. Criteria: Ambry Variant Classification Scheme 2023. Collection method: clinical testing. Allele origin: germline.

New York Genome Center
Classification: Uncertain significance for Hyper-IgE recurrent infection syndrome 4, autosomal recessive. Last evaluated: 2020-07-31. Review status: criteria provided, single submitter. Criteria: NYGC Assertion Criteria 2020. Collection method: clinical testing. Allele origin: inherited. Observed: 1 heterozygote. Study: CSER-NYCKidSeq.